The following is an entry in ClinVar:

ClinVar aggregate classification (germline): Uncertain significance (1 of 4 stars; one submission).

Conditions:
Arrhythmogenic right ventricular dysplasia 8 (ARVD8). Also called: Arrhythmogenic Right Ventricular Dysplasia/Cardiomyopathy 8; ARRHYTHMOGENIC RIGHT VENTRICULAR DYSPLASIA, FAMILIAL, 8; ARRHYTHMOGENIC RIGHT VENTRICULAR CARDIOMYOPATHY 8. Identifiers: MedGen C1843896, MONDO:0011831, OMIM 607450.
Arrhythmogenic cardiomyopathy with wooly hair and keratoderma. Also called: PALMOPLANTAR KERATODERMA WITH LEFT VENTRICULAR CARDIOMYOPATHY AND WOOLLY HAIR; Carvajal syndrome; Dilated cardiomyopathy with woolly hair and keratoderma; Arrhythmogenic cardiomyopathy with woolly hair and keratoderma. Identifiers: Orphanet 65282, MedGen C1854063, MONDO:0011581, OMIM 605676.

Submission:

Labcorp Genetics (formerly Invitae), Labcorp
Classification: Uncertain significance for Arrhythmogenic cardiomyopathy with wooly hair and keratoderma; Arrhythmogenic right ventricular dysplasia 8. Last evaluated: 2024-09-23. Review status: criteria provided, single submitter. Criteria: Invitae Variant Classification Sherloc (09022015). Collection method: clinical testing. Allele origin: germline.
Comment: This sequence change replaces asparagine, which is neutral and polar, with lysine, which is basic and polar, at codon 1397 of the DSP protein (p.Asn1397Lys). This variant is not present in population databases (gnomAD no frequency). This variant has not been reported in the literature in individuals affected with DSP-related conditions. An algorithm developed to predict the effect of missense changes on protein structure and function (PolyPhen-2) suggests that this variant is likely to be tolerated. In summary, the available evidence is currently insufficient to determine the role of this variant in disease. Therefore, it has been classified as a Variant of Uncertain Significance.

NM_004415.4(DSP):c.4191T>A (p.Asn1397Lys)

Gene: DSP (desmoplakin; plus strand). Cytogenetic location: 6p24.3.
Variant type: single nucleotide variant.
Coding change: c.4191T>A on transcript NM_004415.4 (MANE Select); coding-DNA position 4191, T replaced by A.
Protein change: p.Asn1397Lys; replaces asparagine 1397 with lysine.
Molecular consequence: missense variant. On other transcripts: intron variant (2).
Genome position (GRCh38, 1-based): chr6:7,580,381, T>A. VCF-style: chr6-7580381-T-A. GRCh37 (hg19) VCF-style: chr6-7580614-T-A.
Other names: c.4050+141T>A (NM_001319034.2); c.3582+609T>A (NM_001008844.3); short protein forms N1397K.
Identifiers: ClinVar variation 3750462 (VCV003750462.2).